The following is an entry in ClinVar:

NM_138459.5(NUS1):c.56A>T (p.His19Leu)

Gene: NUS1 (NUS1 dehydrodolichyl diphosphate synthase subunit; plus strand). Cytogenetic location: 6q22.1.
Variant type: single nucleotide variant.
Coding change: c.56A>T on transcript NM_138459.5 (MANE Select); coding-DNA position 56, A replaced by T.
Protein change: p.His19Leu; replaces histidine 19 with leucine.
Molecular consequence: missense variant.
Genome position (GRCh38, 1-based): chr6:117,675,726, A>T. VCF-style: chr6-117675726-A-T. GRCh37 (hg19) VCF-style: chr6-117996889-A-T.
Other names: short protein forms H19L.
Identifiers: ClinVar variation 1713358 (VCV001713358.5), dbSNP rs1225757804, ClinGen allele CA365535804.

ClinVar aggregate classification (germline): Uncertain significance (1 of 4 stars; one submission).

Conditions:
Congenital disorder of glycosylation, type Iaa. Also called: Congenital disorder of glycosylation, type 1aa. Identifiers: MedGen C4310727, MONDO:0014904, OMIM 617082.

Submission:

Labcorp Genetics (formerly Invitae), Labcorp
Classification: Uncertain significance for Congenital disorder of glycosylation, type Iaa. Last evaluated: 2022-07-22. Review status: criteria provided, single submitter. Criteria: Invitae Variant Classification Sherloc (09022015). Collection method: clinical testing. Allele origin: germline.
Comment: In summary, the available evidence is currently insufficient to determine the role of this variant in disease. Therefore, it has been classified as a Variant of Uncertain Significance. Algorithms developed to predict the effect of missense changes on protein structure and function (SIFT, PolyPhen-2, Align-GVGD) all suggest that this variant is likely to be tolerated. This variant has not been reported in the literature in individuals affected with NUS1-related conditions. This variant is not present in population databases (gnomAD no frequency). This sequence change replaces histidine, which is basic and polar, with leucine, which is neutral and non-polar, at codon 19 of the NUS1 protein (p.His19Leu).